The following is an entry in ClinVar:

ClinVar aggregate classification (germline): Uncertain significance. Review status: criteria provided, multiple submitters, no conflicts (2 of 4 stars). 2 submissions from 2 submitters: Uncertain significance (2). Last evaluated 2025-02-24.

Conditions:
Inborn genetic diseases. Identifiers: MedGen C0950123, MeSH D030342.

Allele frequency attached by ClinVar (database versions not stated): gnomAD exomes below 0.00001; gnomAD 0.00004; TOPMed 0.00006.
gnomAD v4.1: 8 of 1,551,564 alleles (0.00052%); highest among the groups gnomAD compares: African/African-American, 0.011%; no homozygotes.

Submissions (2):

Ambry Genetics
Classification: Uncertain significance for Inborn genetic diseases. Last evaluated: 2025-02-24. Review status: criteria provided, single submitter. Criteria: Ambry Variant Classification Scheme 2023. Collection method: clinical testing. Allele origin: germline.

Labcorp Genetics (formerly Invitae), Labcorp
Classification: Uncertain significance. Last evaluated: 2024-02-18. Review status: criteria provided, single submitter. Criteria: Invitae Variant Classification Sherloc (09022015). Collection method: clinical testing. Allele origin: germline.
Comment: This sequence change replaces proline, which is neutral and non-polar, with threonine, which is neutral and polar, at codon 510 of the ZSWIM6 protein (p.Pro510Thr). This variant is present in population databases (no rsID available, gnomAD 0.02%). This variant has not been reported in the literature in individuals affected with ZSWIM6-related conditions. An algorithm developed to predict the effect of missense changes on protein structure and function (PolyPhen-2) suggests that this variant is likely to be tolerated. In summary, the available evidence is currently insufficient to determine the role of this variant in disease. Therefore, it has been classified as a Variant of Uncertain Significance.

NM_020928.2(ZSWIM6):c.1528C>A (p.Pro510Thr)

Gene: ZSWIM6 (zinc finger SWIM-type containing 6; plus strand). Cytogenetic location: 5q12.1.
Variant type: single nucleotide variant.
Coding change: c.1528C>A on transcript NM_020928.2 (MANE Select); coding-DNA position 1528, C replaced by A.
Protein change: p.Pro510Thr; replaces proline 510 with threonine.
Molecular consequence: missense variant.
Genome position (GRCh38, 1-based): chr5:61,525,814, C>A. VCF-style: chr5-61525814-C-A. GRCh37 (hg19) VCF-style: chr5-60821641-C-A.
Other names: c.1528C>A (NM_020928.1); short protein forms P510T.
Identifiers: ClinVar variation 2976333 (VCV002976333.4), dbSNP rs866333941, ClinGen allele CA119662491.
Genomic context (GRCh38, chr5:61,525,814, plus strand): 5'-ATGTGAATAATAGCTGACACGGCTTTCTGAATTGTGGAAAAAACAGATTCATCGAACAGG[C>A]CACATCGGACAGTGTTCACCCGAGCCATCGAGGCATGCGATCTCCACTGGCAGGATAGCC-3'
Protein context (NP_065979.1, residues 500-520): ANANQDSSNR[Pro510Thr]HRTVFTRAIE